The following is an entry in ClinVar:

NM_003801.4(GPAA1):c.833C>T (p.Thr278Ile)

Gene: GPAA1 (glycosylphosphatidylinositol anchor attachment 1; plus strand). Cytogenetic location: 8q24.3.
Variant type: single nucleotide variant.
Coding change: c.833C>T on transcript NM_003801.4 (MANE Select); coding-DNA position 833, C replaced by T.
Protein change: p.Thr278Ile; replaces threonine 278 with isoleucine.
Molecular consequence: missense variant.
Genome position (GRCh38, 1-based): chr8:144,084,432, C>T. VCF-style: chr8-144084432-C-T. GRCh37 (hg19) VCF-style: chr8-145139335-C-T.
Other names: c.833C>T (NM_003801.3); short protein forms T278I.
Identifiers: ClinVar variation 1440137 (VCV001440137.4), dbSNP rs782405922, ClinGen allele CA4932950.
Genomic context (GRCh38, chr8:144,084,432, plus strand): 5'-CTGTGGGAGGGGCTGTCTCATCCTGTCCTGCACCTCTAAAGCTGCAGCCCGAGGACTGGA[C>T]ATCATTGGATGGACCGCTGCAGGGCCTGCAGACACTGCTGCTCATGGTTCTGCGGCAGGC-3'
Protein context (NP_003792.1, residues 268-288): LQGKLQPEDW[Thr278Ile]SLDGPLQGLQ

ClinVar aggregate classification (germline): Uncertain significance. Review status: criteria provided, multiple submitters, no conflicts (2 of 4 stars). 2 submissions from 2 submitters: Uncertain significance (2). Last evaluated 2022-11-01.

Conditions:
Inborn genetic diseases. Identifiers: MedGen C0950123, MeSH D030342.

Allele frequency attached by ClinVar (database versions not stated): ExAC 0.00003; gnomAD exomes 0.00003 and 0.00004; gnomAD 0.00010; TOPMed 0.00021.

Submissions (2):

Labcorp Genetics (formerly Invitae), Labcorp
Classification: Uncertain significance. Last evaluated: 2022-11-01. Review status: criteria provided, single submitter. Criteria: Invitae Variant Classification Sherloc (09022015). Collection method: clinical testing. Allele origin: germline.
Comment: This sequence change replaces threonine, which is neutral and polar, with isoleucine, which is neutral and non-polar, at codon 278 of the GPAA1 protein (p.Thr278Ile). This variant is present in population databases (rs782405922, gnomAD 0.009%). This variant has not been reported in the literature in individuals affected with GPAA1-related conditions. ClinVar contains an entry for this variant (Variation ID: 1440137). Advanced modeling of protein sequence and biophysical properties (such as structural, functional, and spatial information, amino acid conservation, physicochemical variation, residue mobility, and thermodynamic stability) performed at Invitae indicates that this missense variant is not expected to disrupt GPAA1 protein function. In summary, the available evidence is currently insufficient to determine the role of this variant in disease. Therefore, it has been classified as a Variant of Uncertain Significance.

Ambry Genetics
Classification: Uncertain significance for Inborn genetic diseases. Last evaluated: 2021-09-01. Review status: criteria provided, single submitter. Criteria: Ambry Variant Classification Scheme 2023. Collection method: clinical testing. Allele origin: germline.